The following is an entry in ClinVar:

NM_000496.3(CRYBB2):c.446G>A (p.Gly149Asp)

Gene: CRYBB2 (crystallin beta B2; plus strand). Cytogenetic location: 22q11.23.
Variant type: single nucleotide variant.
Coding change: c.446G>A on transcript NM_000496.3 (MANE Select); coding-DNA position 446, G replaced by A.
Protein change: p.Gly149Asp; replaces glycine 149 with aspartic acid.
Molecular consequence: missense variant.
Genome position (GRCh38, 1-based): chr22:25,229,575, G>A. VCF-style: chr22-25229575-G-A. GRCh37 (hg19) VCF-style: chr22-25625542-G-A.
Other names: short protein forms G149D.
Identifiers: ClinVar variation 4819952 (VCV004819952.1).
Genomic context (GRCh38, chr22:25,229,575, plus strand): 5'-TACCCAGCTTCCACGCCCATGGCTACCAGGAGAAGGTGTCATCTGTGCGGGTGCAGAGTG[G>A]CACGTAAGTGCGTTGCCAGCCCTGGCTCACCCTGCCCCAGGAACTGAGACTCTGGGGTCC-3'
Protein context (NP_000487.1, residues 139-159): EKVSSVRVQS[Gly149Asp]TWVGYQYPGY

ClinVar aggregate classification (germline): Uncertain significance (1 of 4 stars; one submission).

Conditions:
Cataract 3 multiple types. Also called: CATARACT 3, MULTIPLE TYPES, WITH OR WITHOUT MICROCORNEA. Identifiers: Orphanet 1377, MedGen C1832175, MONDO:0011104, OMIM 601547.

Submission:

Molecular Medicine, University of Pavia
Classification: Uncertain significance for Cataract 3 multiple types. Last evaluated: 2026-04-01. Review status: criteria provided, single submitter. Criteria: ACMG Guidelines, 2015. Collection method: research. Allele origin: inherited. Affected: yes. Observed: 2 variant alleles.
Comment: The NM_000496.3:c.446G>A, is a missense variant in CRYBB2 that substitutes the Glycine 149 into a Aspartic acid residue. This variant is absent from GnomAD 4.1.0 database and it has not been previously reported in ClinVar but it has been reported in literature (PMID:30450742). In summary, this variant meets criteria to be classified as VUS based on the ACMG/AMP criteria applied: PM5, PM2_supp, PP3_supp

Literature cited by the submitters: PubMed 30450742.